The following is an entry in ClinVar:

ClinVar aggregate classification (germline): Uncertain significance (1 of 4 stars; one submission).

gnomAD v4.1: 3 of 1,613,802 alleles (0.00019%); highest among the groups gnomAD compares: Non-Finnish European, 0.00025%; no homozygotes.

Submission:

CeGaT Center for Human Genetics Tuebingen
Classification: Uncertain significance. Last evaluated: 2026-06-01. Review status: criteria provided, single submitter. Criteria: CeGaT Center For Human Genetics Tuebingen Variant Classification Criteria Version 2. Collection method: clinical testing. Allele origin: germline. Affected: yes. Observed: 1 variant allele.
Comment: LAMA2: PM2

NM_000426.4(LAMA2):c.5099A>G (p.Asn1700Ser)

Gene: LAMA2 (laminin subunit alpha 2; plus strand). Cytogenetic location: 6q22.33.
Variant type: single nucleotide variant.
Coding change: c.5099A>G on transcript NM_000426.4 (MANE Select); coding-DNA position 5099, A replaced by G.
Protein change: p.Asn1700Ser; replaces asparagine 1700 with serine.
Molecular consequence: missense variant.
Genome position (GRCh38, 1-based): chr6:129,391,518, A>G. VCF-style: chr6-129391518-A-G. GRCh37 (hg19) VCF-style: chr6-129712663-A-G.
Other names: c.5099A>G, p.Asn1700Ser (NM_001079823.2); short protein forms N1700S.
Identifiers: ClinVar variation 4873986 (VCV004873986.2).